The following is an entry in ClinVar:

NM_001166108.2(PALLD):c.1479A>T (p.Lys493Asn)

Gene: PALLD (palladin, cytoskeletal associated protein; plus strand). Cytogenetic location: 4q32.3.
Variant type: single nucleotide variant.
Coding change: c.1479A>T on transcript NM_001166108.2 (MANE Select); coding-DNA position 1479, A replaced by T.
Protein change: p.Lys493Asn; replaces lysine 493 with asparagine.
Molecular consequence: missense variant.
Genome position (GRCh38, 1-based): chr4:168,691,270, A>T. VCF-style: chr4-168691270-A-T. GRCh37 (hg19) VCF-style: chr4-169612421-A-T.
Other names: c.333A>T, p.Lys111Asn (NM_001166109.2); c.1479A>T, p.Lys493Asn (NM_016081.4); short protein forms K111N, K493N.
Identifiers: ClinVar variation 3061244 (VCV003061244.3), dbSNP rs2531656501, ClinGen allele CA358796281.

ClinVar aggregate classification (germline): Uncertain significance. Review status: criteria provided, single submitter (1 of 4 stars). 2 submissions from 2 submitters: Uncertain significance (1). 1 of the submissions does not count toward it. Last evaluated 2024-02-24.

Conditions:
PALLD-related disorder. Also called: PALLD-related condition.

Submissions (2):

Ambry Genetics
Classification: Uncertain significance. Last evaluated: 2024-02-24. Review status: criteria provided, single submitter. Criteria: Ambry Variant Classification Scheme 2023. Collection method: clinical testing. Allele origin: germline.
Comment: The p.K493N variant (also known as c.1479A>T), located in coding exon 7 of the PALLD gene, results from an A to T substitution at nucleotide position 1479. The lysine at codon 493 is replaced by asparagine, an amino acid with similar properties. This amino acid position is conserved. In addition, this alteration is predicted to be tolerated by in silico analysis. Based on the available evidence, the clinical significance of this alteration remains unclear.

PreventionGenetics, part of Exact Sciences
Classification: Uncertain significance for PALLD-related condition. Last evaluated: 2024-02-20. Review status: no assertion criteria provided. Collection method: clinical testing. Allele origin: germline. Not counted in ClinVar's aggregate classification.
Comment: The PALLD c.1479A>T variant is predicted to result in the amino acid substitution p.Lys493Asn. To our knowledge, this variant has not been reported in the literature or in a large population database, indicating this variant is rare. At this time, the clinical significance of this variant is uncertain due to the absence of conclusive functional and genetic evidence.